The following is an entry in ClinVar:

ClinVar aggregate classification (germline): Likely benign. Review status: criteria provided, multiple submitters, no conflicts (2 of 4 stars). 3 submissions from 3 submitters: Likely benign (3). Last evaluated 2025-05-14.

Conditions:
Cardiovascular phenotype. Identifiers: MedGen CN230736.

Allele frequency attached by ClinVar (database versions not stated): gnomAD exomes below 0.00001; TOPMed 0.00001.
gnomAD v4.1: 2 of 1,522,226 alleles (0.00013%); highest among the groups gnomAD compares: Admixed American, 0.002%; no homozygotes.

Submissions (3):

Mayo Clinic Laboratories, Mayo Clinic
Classification: Likely benign. Last evaluated: 2025-05-14. Review status: criteria provided, single submitter. Criteria: ACMG Guidelines, 2015. Collection method: clinical testing. Allele origin: germline. Observed: 1 variant allele.
Comment: BP4, BP7, PM2_supporting

Labcorp Genetics (formerly Invitae), Labcorp
Classification: Likely benign. Last evaluated: 2023-06-23. Review status: criteria provided, single submitter. Criteria: Invitae Variant Classification Sherloc (09022015). Collection method: clinical testing. Allele origin: germline.

Ambry Genetics
Classification: Likely benign for Cardiovascular phenotype. Last evaluated: 2022-08-16. Review status: criteria provided, single submitter. Criteria: Ambry Variant Classification Scheme 2023. Collection method: clinical testing. Allele origin: germline.

NM_001367624.2(ZNF469):c.2790T>A (p.Gly930=)

Gene: ZNF469 (zinc finger protein 469; plus strand). Cytogenetic location: 16q24.2.
Variant type: single nucleotide variant.
Coding change: c.2790T>A on transcript NM_001367624.2 (MANE Select); coding-DNA position 2790, T replaced by A.
Protein change: p.Gly930=; no amino-acid change (glycine 930 retained).
Molecular consequence: synonymous variant.
Genome position (GRCh38, 1-based): chr16:88,430,260, T>A. VCF-style: chr16-88430260-T-A. GRCh37 (hg19) VCF-style: chr16-88496668-T-A.
Other names: NM_001127464.1:c.2790T>A; p.Gly930=.
Identifiers: ClinVar variation 1796048 (VCV001796048.6), dbSNP rs1307407113, ClinGen allele CA497353782.